The following is an entry in ClinVar:

NM_018344.6(SLC29A3):c.116C>T (p.Pro39Leu)

Gene: SLC29A3 (solute carrier family 29 member 3; plus strand). Cytogenetic location: 10q22.1.
Variant type: single nucleotide variant.
Coding change: c.116C>T on transcript NM_018344.6 (MANE Select); coding-DNA position 116, C replaced by T.
Protein change: p.Pro39Leu; replaces proline 39 with leucine.
Molecular consequence: missense variant. On other transcripts: 5 prime UTR variant (1), non-coding transcript variant (2).
Genome position (GRCh38, 1-based): chr10:71,322,870, C>T. VCF-style: chr10-71322870-C-T. GRCh37 (hg19) VCF-style: chr10-73082627-C-T.
Other names: c.116C>T, p.Pro39Leu (NM_001174098.2); c.-119C>T (NM_001363518.2); short protein forms P39L.
Identifiers: ClinVar variation 938915 (VCV000938915.7), dbSNP rs368939297, ClinGen allele CA209389855.
Genomic context (GRCh38, chr10:71,322,870, plus strand): 5'-CCACAAGCAGCAGTCTCCGAGCTGACCAGGAGGCACTGCTTGAGAAGCTGCTGGACCGCC[C>T]GCCCCCTGGCCTGCAGAGGCCCGAGGACCGCTTCTGTGGCACATACATCATCTTCTTCAG-3'
Protein context (NP_060814.4, residues 29-49): EALLEKLLDR[Pro39Leu]PPGLQRPEDR

ClinVar aggregate classification (germline): Uncertain significance (1 of 4 stars; one submission).

Conditions:
H syndrome. Also called: HISTIOCYTOSIS AND LYMPHADENOPATHY WITH OR WITHOUT CUTANEOUS, CARDIAC, AND/OR ENDOCRINE FEATURES, JOINT CONTRACTURES, AND/OR DEAFNESS; HYPERPIGMENTATION, CUTANEOUS, WITH HYPERTRICHOSIS, HEPATOSPLENOMEGALY, HEART ANOMALIES, AND HYPOGONADISM WITH OR WITHOUT HEARING LOSS; PIGMENTED HYPERTRICHOSIS WITH INSULIN-DEPENDENT DIABETES MELLITUS; ROSAI-DORFMAN DISEASE, FAMILIAL; SINUS HISTIOCYTOSIS AND MASSIVE LYMPHADENOPATHY; Hyperpigmentation, Cutaneous, with Hypertrichosis, Hepatosplenomegaly, Heart Anomalies, Hearing Loss, and Hypogonadism. Identifiers: Orphanet 168569, MedGen C1864445, MONDO:0011273, OMIM 602782.

Allele frequency attached by ClinVar (database versions not stated): gnomAD exomes below 0.00001; gnomAD 0.00001; TOPMed 0.00002.
gnomAD v4.1: 5 of 1,614,120 alleles (0.00031%); highest among the groups gnomAD compares: Admixed American, 0.0017%; no homozygotes.

Submission:

Labcorp Genetics (formerly Invitae), Labcorp
Classification: Uncertain significance for H syndrome. Last evaluated: 2019-09-03. Review status: criteria provided, single submitter. Criteria: Invitae Variant Classification Sherloc (09022015). Collection method: clinical testing. Allele origin: germline.
Comment: This variant is not present in population databases (ExAC no frequency). In summary, the available evidence is currently insufficient to determine the role of this variant in disease. Therefore, it has been classified as a Variant of Uncertain Significance. Algorithms developed to predict the effect of missense changes on protein structure and function output the following: SIFT: "Tolerated"; PolyPhen-2: "Benign"; Align-GVGD: "Class C0". The leucine amino acid residue is found in multiple mammalian species, suggesting that this missense change does not adversely affect protein function. These predictions have not been confirmed by published functional studies and their clinical significance is uncertain. This variant has not been reported in the literature in individuals with SLC29A3-related conditions. This sequence change replaces proline with leucine at codon 39 of the SLC29A3 protein (p.Pro39Leu). The proline residue is moderately conserved and there is a moderate physicochemical difference between proline and leucine.